The following is an entry in ClinVar:

NM_002878.4(RAD51D):c.853G>A (p.Gly285Arg)

Genes: RAD51D (RAD51 paralog D; minus strand), RAD51L3-RFFL (RAD51L3-RFFL readthrough; minus strand). Cytogenetic location: 17q12.
Variant type: single nucleotide variant.
Coding change: c.853G>A on transcript NM_002878.4 (MANE Select); coding-DNA position 853, G replaced by A.
Protein change: p.Gly285Arg; replaces glycine 285 with arginine.
Molecular consequence: missense variant. On other transcripts: non-coding transcript variant (3).
Genome position (GRCh38, 1-based): chr17:35,101,251, C>T on the plus strand (G>A on the coding strand, the complement: RAD51D is on the minus strand). VCF-style: chr17-35101251-C-T. GRCh37 (hg19) VCF-style: chr17-33428270-C-T.
Other names: c.913G>A, p.Gly305Arg (NM_001142571.2); c.517G>A, p.Gly173Arg (NM_133629.3); short protein forms G173R, G285R, G305R.
Identifiers: ClinVar variation 999531 (VCV000999531.5), dbSNP rs2091533035, ClinGen allele CA399086539.

ClinVar aggregate classification (germline): Uncertain significance (1 of 4 stars; one submission).

Conditions:
Breast-ovarian cancer, familial, susceptibility to, 4. Identifiers: Orphanet 145, MedGen C3280345, MONDO:0013669, OMIM 614291.

Submission:

Labcorp Genetics (formerly Invitae), Labcorp
Classification: Uncertain significance for Breast-ovarian cancer, familial, susceptibility to, 4. Last evaluated: 2023-02-14. Review status: criteria provided, single submitter. Criteria: Invitae Variant Classification Sherloc (09022015). Collection method: clinical testing. Allele origin: germline.
Comment: This sequence change replaces glycine, which is neutral and non-polar, with arginine, which is basic and polar, at codon 285 of the RAD51D protein (p.Gly285Arg). This variant is not present in population databases (gnomAD no frequency). This missense change has been observed in individual(s) with breast cancer (PMID: 26328243). ClinVar contains an entry for this variant (Variation ID: 999531). Advanced modeling of protein sequence and biophysical properties (such as structural, functional, and spatial information, amino acid conservation, physicochemical variation, residue mobility, and thermodynamic stability) performed at Invitae indicates that this missense variant is not expected to disrupt RAD51D protein function. In summary, the available evidence is currently insufficient to determine the role of this variant in disease. Therefore, it has been classified as a Variant of Uncertain Significance.

Literature cited by the submitters: PubMed 26328243.